The following is an entry in ClinVar:

ClinVar aggregate classification (germline): Benign. Review status: criteria provided, single submitter (1 of 4 stars). 2 submissions from 2 submitters: Benign (1). 1 of the submissions does not count toward it. Last evaluated 2017-07-05.

Conditions:
Gaucher disease. Also called: Acute cerebral Gaucher disease; Cerebroside lipidosis syndrome; Gaucher splenomegaly; Sphingolipidosis 1; Glucocerebrosidosis; Glucosylceramidase deficiency. Identifiers: Orphanet 355, MedGen C0017205, MONDO:0018150.

Submissions (2):

Women's Health and Genetics/Laboratory Corporation of America, LabCorp
Classification: Benign. Last evaluated: 2017-07-05. Review status: criteria provided, single submitter. Criteria: LabCorp Variant Classification Summary - May 2015. Collection method: clinical testing. Allele origin: germline.
Comment: Variant summary: The GBA c.589-86A>G variant involves the alteration of a non-conserved intronic nucleotide. Mutation taster predicts benign outcome for this variant. 3/5 splice prediction tools predict no significant impact on normal splicing. This variant was found in 9338/25900 control chromosomes (1950 homozygotes) including gnomAD database at a frequency of 0.3605405, which is approximately 72 times the estimated maximal expected allele frequency of a pathogenic GBA variant (0.005), suggesting this variant is a common benign polymorphism. This variant position is reported to be a low quality site in the gnomAD database. This variant position is not covered in ExAC and NHLBI ESP. The variant has been published as a polymorphism in literature (Hruska_2008). Taken together, this variant is classified as benign.

Natera, Inc.
Classification: Benign for Gaucher disease. Last evaluated: 2020-09-16. Review status: no assertion criteria provided. Collection method: clinical testing. Allele origin: germline. Not counted in ClinVar's aggregate classification.

NM_000157.4(GBA1):c.589-86A>G

Genes: GBA1 (glucosylceramidase beta 1; minus strand), LOC106627981 (GBA recombination region; plus strand). Cytogenetic location: 1q22.
Variant type: single nucleotide variant.
Coding change: c.589-86A>G on transcript NM_000157.4 (MANE Select); 86 bases into the intron before coding-DNA position 589, A replaced by G.
Molecular consequence: intron variant.
Genome position (GRCh38, 1-based): chr1:155,238,392, T>C on the plus strand (A>G on the coding strand, the complement: GBA1 is on the minus strand). VCF-style: chr1-155238392-T-C. GRCh37 (hg19) VCF-style: chr1-155208183-T-C.
Other names: c.328-86A>G (NM_001171811.2); c.589-86A>G (NM_001005742.3, NM_001005741.3); c.442-86A>G (NM_001171812.2).
Identifiers: ClinVar variation 496083 (VCV000496083.3), dbSNP rs2974923, ClinGen allele CA30895628.